The following is an entry in ClinVar:

ClinVar aggregate classification (germline): Uncertain significance (1 of 4 stars; one submission).

Allele frequency attached by ClinVar (database versions not stated): gnomAD exomes below 0.00001.
gnomAD v4.1: 4 of 1,614,190 alleles (0.00025%); highest among the groups gnomAD compares: Non-Finnish European, 0.00034%; no homozygotes.

Submission:

Labcorp Genetics (formerly Invitae), Labcorp
Classification: Uncertain significance. Last evaluated: 2021-07-15. Review status: criteria provided, single submitter. Criteria: Invitae Variant Classification Sherloc (09022015). Collection method: clinical testing. Allele origin: germline.
Comment: In summary, the available evidence is currently insufficient to determine the role of this variant in disease. Therefore, it has been classified as a Variant of Uncertain Significance. Algorithms developed to predict the effect of missense changes on protein structure and function (SIFT, PolyPhen-2, Align-GVGD) all suggest that this variant is likely to be disruptive, but these predictions have not been confirmed by published functional studies and their clinical significance is uncertain. This variant has not been reported in the literature in individuals with CPA1-related conditions. This variant is not present in population databases (ExAC no frequency). This sequence change replaces glycine with aspartic acid at codon 277 of the CPA1 protein (p.Gly277Asp). The glycine residue is highly conserved and there is a moderate physicochemical difference between glycine and aspartic acid.

NM_001868.4(CPA1):c.830G>A (p.Gly277Asp)

Gene: CPA1 (carboxypeptidase A1; plus strand). Cytogenetic location: 7q32.2.
Variant type: single nucleotide variant.
Coding change: c.830G>A on transcript NM_001868.4 (MANE Select); coding-DNA position 830, G replaced by A.
Protein change: p.Gly277Asp; replaces glycine 277 with aspartic acid.
Molecular consequence: missense variant.
Genome position (GRCh38, 1-based): chr7:130,385,188, G>A. VCF-style: chr7-130385188-G-A. GRCh37 (hg19) VCF-style: chr7-130025029-G-A.
Other names: short protein forms G277D.
Identifiers: ClinVar variation 1475192 (VCV001475192.8), dbSNP rs2117505915, ClinGen allele CA369283353.